The following is an entry in ClinVar:

ClinVar aggregate classification (germline): Uncertain significance. Review status: criteria provided, single submitter (1 of 4 stars). 2 submissions from 2 submitters: Uncertain significance (1). 1 of the submissions does not count toward it. Last evaluated 2022-06-09.

Conditions:
Platelet-type bleeding disorder 17 (BDPLT17). Also called: Thrombasthenia-thrombocytopenia, hereditary. Identifiers: Orphanet 721, MedGen C1861194, MONDO:0008553, OMIM 187900.
Inborn genetic diseases. Identifiers: MedGen C0950123, MeSH D030342.

Allele frequency attached by ClinVar (database versions not stated): TOPMed below 0.00001; gnomAD exomes 0.00001.
gnomAD v4.1: 10 of 1,614,236 alleles (0.00062%); highest among the groups gnomAD compares: African/African-American, 0.0013%; no homozygotes.

Submissions (2):

Ambry Genetics
Classification: Uncertain significance for Inborn genetic diseases. Last evaluated: 2022-06-09. Review status: criteria provided, single submitter. Criteria: Ambry Variant Classification Scheme 2023. Collection method: clinical testing. Allele origin: germline.

ISTH-SSC Genomics in Thrombosis and Hemostasis, KU Leuven, Center for Molecular and Vascular Biology
Classification: Uncertain significance for Platelet-type bleeding disorder 17. Review status: no assertion criteria provided. Collection method: research. Allele origin: unknown. Affected: yes. Not counted in ClinVar's aggregate classification.
Comment: Submitted to GoldVariant by Dr Karyn Mégy from NIHR Bioresource - Cambridge University, UK

NM_001377304.1(GFI1B):c.758G>A (p.Cys253Tyr)

Gene: GFI1B (growth factor independent 1B transcriptional repressor; plus strand). Cytogenetic location: 9q34.13.
Variant type: single nucleotide variant.
Coding change: c.758G>A on transcript NM_001377304.1 (MANE Select); coding-DNA position 758, G replaced by A.
Protein change: p.Cys253Tyr; replaces cysteine 253 with tyrosine.
Molecular consequence: missense variant.
Genome position (GRCh38, 1-based): chr9:132,989,851, G>A. VCF-style: chr9-132989851-G-A. GRCh37 (hg19) VCF-style: chr9-135865238-G-A.
Other names: c.620G>A, p.Cys207Tyr (NM_001135031.2, NM_001377305.1); c.824G>A, p.Cys275Tyr (NM_001371908.1); c.758G>A, p.Cys253Tyr (NM_004188.8); short protein forms C207Y, C253Y, C275Y.
Identifiers: ClinVar variation 1684450 (VCV001684450.4), dbSNP rs1849225412, ClinGen allele CA375380577.